The following is an entry in ClinVar:

NM_001289104.2(PRKCSH):c.862G>A (p.Asp288Asn)

Gene: PRKCSH (PRKCSH beta subunit of glucosidase II; plus strand). Cytogenetic location: 19p13.2.
Variant type: single nucleotide variant.
Coding change: c.862G>A on transcript NM_001289104.2 (MANE Select); coding-DNA position 862, G replaced by A.
Protein change: p.Asp288Asn; replaces aspartic acid 288 with asparagine.
Molecular consequence: missense variant.
Genome position (GRCh38, 1-based): chr19:11,447,451, G>A. VCF-style: chr19-11447451-G-A. GRCh37 (hg19) VCF-style: chr19-11558266-G-A.
Other names: c.862G>A, p.Asp288Asn (NM_001001329.3, NM_001289102.2, NM_001289103.2 and 3 more transcripts); short protein forms D288N.
Identifiers: ClinVar variation 890827 (VCV000890827.13), dbSNP rs144616910, ClinGen allele CA9213051.

ClinVar aggregate classification (germline): Conflicting classifications of pathogenicity. Review status: criteria provided, conflicting classifications (1 of 4 stars). 3 submissions from 3 submitters: Uncertain significance (2); Likely benign (1). Last evaluated 2025-09-29.

Conditions:
Polycystic liver disease 1 (PCLD1). Also called: Polycystic liver disease 1 with or without kidney cysts. Identifiers: Orphanet 2924, MedGen C0887850, MONDO:0008265, OMIM 174050.
Inborn genetic diseases. Identifiers: MedGen C0950123, MeSH D030342.

Allele frequency attached by ClinVar (database versions not stated): gnomAD exomes 0.00011; ExAC 0.00013; gnomAD 0.00021 and 0.00026; ESP Exome Variant Server 0.00023; TOPMed 0.00023.
gnomAD v4.1: 98 of 1,613,754 alleles (0.0061%); highest among the groups gnomAD compares: African/African-American, 0.077%; no homozygotes.

Submissions (3):

Labcorp Genetics (formerly Invitae), Labcorp
Classification: Uncertain significance. Last evaluated: 2025-09-29. Review status: criteria provided, single submitter. Criteria: Invitae Variant Classification Sherloc (09022015). Collection method: clinical testing. Allele origin: germline.
Comment: This sequence change replaces aspartic acid, which is acidic and polar, with asparagine, which is neutral and polar, at codon 288 of the PRKCSH protein (p.Asp288Asn). This variant is present in population databases (rs144616910, gnomAD 0.05%), and has an allele count higher than expected for a pathogenic variant. This variant has not been reported in the literature in individuals affected with PRKCSH-related conditions. ClinVar contains an entry for this variant (Variation ID: 890827). An algorithm developed to predict the effect of missense changes on protein structure and function (PolyPhen-2) suggests that this variant is likely to be tolerated. In summary, the available evidence is currently insufficient to determine the role of this variant in disease. Therefore, it has been classified as a Variant of Uncertain Significance.

Ambry Genetics
Classification: Uncertain significance for Inborn genetic diseases. Last evaluated: 2023-05-28. Review status: criteria provided, single submitter. Criteria: Ambry Variant Classification Scheme 2023. Collection method: clinical testing. Allele origin: germline.

Illumina Laboratory Services, Illumina
Classification: Likely benign for Polycystic liver disease 1. Last evaluated: 2018-01-13. Review status: criteria provided, single submitter. Criteria: ICSL Variant Classification Criteria 13 December 2019. Collection method: clinical testing. Allele origin: germline.
Comment: This variant was observed in the ICSL laboratory as part of a predisposition screen in an ostensibly healthy population. It had not been previously curated by ICSL or reported in the Human Gene Mutation Database (HGMD: prior to June 1st, 2018), and was therefore a candidate for classification through an automated scoring system. Utilizing variant allele frequency, disease prevalence and penetrance estimates, and inheritance mode, an automated score was calculated to assess if this variant is too frequent to cause the disease. Based on the score and internal cut-off values, a variant classified as likely benign is not then subjected to further curation. The score for this variant resulted in a classification of likely benign for this disease.